The following is an entry in ClinVar:

ClinVar aggregate classification (germline): Uncertain significance (1 of 4 stars; one submission).

Conditions:
Neuropathy, hereditary sensory and autonomic, type 2A (HSAN2A). Also called: HSAN IIA; ACROOSTEOLYSIS, GIACCAI TYPE; ACROOSTEOLYSIS, NEUROGENIC; MORVAN DISEASE; NEUROPATHY, CONGENITAL SENSORY; NEUROPATHY, HEREDITARY SENSORY RADICULAR, AUTOSOMAL RECESSIVE. Identifiers: Orphanet 970, MedGen C2752089, MONDO:0024309, OMIM 201300.
Generalized epilepsy with febrile seizures plus, type 7 (GEFSP7). Also called: GEFS+, TYPE 7. Identifiers: Orphanet 36387, MedGen C2751778, MONDO:0013470, OMIM 613863.

gnomAD v4.1: 1 of 1,595,932 alleles (0.000063%); highest among the groups gnomAD compares: Admixed American, 0.0017%; no homozygotes.

Submission:

Labcorp Genetics (formerly Invitae), Labcorp
Classification: Uncertain significance for Neuropathy, hereditary sensory and autonomic, type 2A; Generalized epilepsy with febrile seizures plus, type 7. Last evaluated: 2025-03-24. Review status: criteria provided, single submitter. Criteria: Invitae Variant Classification Sherloc (09022015). Collection method: clinical testing. Allele origin: germline.
Comment: This sequence change falls in intron 8 of the SCN9A gene. It does not directly change the encoded amino acid sequence of the SCN9A protein. This variant is not present in population databases (gnomAD no frequency). This variant has not been reported in the literature in individuals affected with SCN9A-related conditions. Algorithms developed to predict the effect of sequence changes on RNA splicing suggest that this variant may disrupt the consensus splice site. In summary, the available evidence is currently insufficient to determine the role of this variant in disease. Therefore, it has been classified as a Variant of Uncertain Significance.

NM_001365536.1(SCN9A):c.966-12T>C

Genes: SCN1A-AS1 (SCN1A and SCN9A antisense RNA 1; plus strand), SCN9A (sodium voltage-gated channel alpha subunit 9; minus strand). Cytogenetic location: 2q24.3.
Variant type: single nucleotide variant.
Coding change: c.966-12T>C on transcript NM_001365536.1 (MANE Select); 12 bases into the intron before coding-DNA position 966, T replaced by C.
Molecular consequence: intron variant.
Genome position (GRCh38, 1-based): chr2:166,293,384, A>G on the plus strand (T>C on the coding strand, the complement: SCN9A is on the minus strand). VCF-style: chr2-166293384-A-G. GRCh37 (hg19) VCF-style: chr2-167149894-A-G.
Other names: c.966-12T>C (NM_002977.4).
Identifiers: ClinVar variation 3761316 (VCV003761316.2).